The following is an entry in ClinVar:

ClinVar aggregate classification (germline): Uncertain significance (1 of 4 stars; one submission).

Submission:

Labcorp Genetics (formerly Invitae), Labcorp
Classification: Uncertain significance. Last evaluated: 2022-01-19. Review status: criteria provided, single submitter. Criteria: Invitae Variant Classification Sherloc (09022015). Collection method: clinical testing. Allele origin: germline.
Comment: In summary, the available evidence is currently insufficient to determine the role of this variant in disease. Therefore, it has been classified as a Variant of Uncertain Significance. Advanced modeling of protein sequence and biophysical properties (such as structural, functional, and spatial information, amino acid conservation, physicochemical variation, residue mobility, and thermodynamic stability) performed at Invitae indicates that this missense variant is expected to disrupt FAT4 protein function. This variant has not been reported in the literature in individuals affected with FAT4-related conditions. This variant is present in population databases (no rsID available, gnomAD 0.002%). This sequence change replaces glycine, which is neutral and non-polar, with arginine, which is basic and polar, at codon 88 of the FAT4 protein (p.Gly88Arg).

NM_001291303.3(FAT4):c.262G>A (p.Gly88Arg)

Gene: FAT4 (FAT atypical cadherin 4; plus strand). Cytogenetic location: 4q28.1.
Variant type: single nucleotide variant.
Coding change: c.262G>A on transcript NM_001291303.3 (MANE Select); coding-DNA position 262, G replaced by A.
Protein change: p.Gly88Arg; replaces glycine 88 with arginine.
Molecular consequence: missense variant.
Genome position (GRCh38, 1-based): chr4:125,316,673, G>A. VCF-style: chr4-125316673-G-A. GRCh37 (hg19) VCF-style: chr4-126237828-G-A.
Other names: c.262G>A, p.Gly88Arg (NM_001291285.3, NM_024582.6); short protein forms G88R.
Identifiers: ClinVar variation 1946306 (VCV001946306.5), dbSNP rs1191614275, ClinGen allele CA358115438.